The following is an entry in ClinVar:

ClinVar aggregate classification (germline): Conflicting classifications of pathogenicity. Review status: criteria provided, conflicting classifications (1 of 4 stars). 10 submissions from 9 submitters: Uncertain significance (2); Likely benign (4). 4 of the submissions do not count toward it. Last evaluated 2026-02-01.

Conditions:
Meckel-Gruber syndrome. Also called: DYSENCEPHALIA SPLANCHNOCYSTICA; GRUBER SYNDROME; Dysencephalia splachnocystica. Identifiers: Orphanet 564, MedGen C0265215, MONDO:0018921.
Joubert syndrome. Also called: JOUBERT-BOLTSHAUSER SYNDROME; Familial aplasia of the vermis. Identifiers: Orphanet 475, MedGen C5979921, MONDO:0018772.
Meckel syndrome, type 1 (MKS1). Also called: MECKEL-GRUBER SYNDROME, TYPE 1. Identifiers: Orphanet 564, MedGen C3714506, MONDO:0009571, OMIM 249000.
Bardet-Biedl syndrome 13 (BBS13). Identifiers: Orphanet 110, MedGen C2673873, MONDO:0014441, OMIM 615990.

Allele frequency attached by ClinVar (database versions not stated): ESP Exome Variant Server 0.00008; gnomAD exomes 0.00018 and 0.00053; ExAC 0.00021; TOPMed 0.00021; gnomAD 0.00022.
gnomAD v4.1: 787 of 1,614,136 alleles (0.049%); highest among the groups gnomAD compares: Non-Finnish European, 0.065%; no homozygotes.

Submissions (10):

CeGaT Center for Human Genetics Tuebingen
Classification: Likely benign. Last evaluated: 2026-02-01. Review status: criteria provided, single submitter. Criteria: CeGaT Center For Human Genetics Tuebingen Variant Classification Criteria Version 2. Collection method: clinical testing. Allele origin: germline. Affected: yes. Observed: 2 variant alleles.
Comment: MKS1: BP4

Labcorp Genetics (formerly Invitae), Labcorp
Classification: Likely benign for Joubert syndrome; Meckel-Gruber syndrome. Last evaluated: 2025-12-21. Review status: criteria provided, single submitter. Criteria: Invitae Variant Classification Sherloc (09022015). Collection method: clinical testing. Allele origin: germline.

Blueprint Genetics
Classification: Likely benign. Last evaluated: 2024-03-13. Review status: criteria provided, single submitter. Criteria: ACMG Guidelines, 2015. Collection method: clinical testing. Allele origin: germline.

GeneDx
Classification: Likely benign. Last evaluated: 2018-04-10. Review status: criteria provided, single submitter. Criteria: GeneDx Variant Classification Process June 2021. Collection method: clinical testing. Allele origin: germline. Affected: yes.

Illumina Laboratory Services, Illumina
Classification: Uncertain significance for Meckel syndrome, type 1. Last evaluated: 2018-01-12. Review status: criteria provided, single submitter. Criteria: ICSL Variant Classification Criteria 13 December 2019. Collection method: clinical testing. Allele origin: germline.

Illumina Laboratory Services, Illumina
Classification: Uncertain significance for Bardet-Biedl syndrome 13. Last evaluated: 2018-01-12. Review status: criteria provided, single submitter. Criteria: ICSL Variant Classification Criteria 13 December 2019. Collection method: clinical testing. Allele origin: germline.

Natera, Inc.
Classification: Uncertain significance for Meckel syndrome type 1. Last evaluated: 2020-01-17. Review status: no assertion criteria provided. Collection method: clinical testing. Allele origin: germline. Not counted in ClinVar's aggregate classification.

Clinical Genetics DNA and cytogenetics Diagnostics Lab, Erasmus MC, Erasmus Medical Center
Classification: Likely benign. Review status: no assertion criteria provided. Collection method: clinical testing. Allele origin: germline. Affected: yes. Study: VKGL Data-share Consensus. Not counted in ClinVar's aggregate classification.

Clinical Genetics, Academic Medical Center
Classification: Likely benign. Review status: no assertion criteria provided. Collection method: clinical testing. Allele origin: germline. Affected: yes. Study: VKGL Data-share Consensus. Not counted in ClinVar's aggregate classification.

Genome Diagnostics Laboratory, University Medical Center Utrecht
Classification: Likely benign. Review status: no assertion criteria provided. Collection method: clinical testing. Allele origin: germline. Affected: yes. Study: VKGL Data-share Consensus. Not counted in ClinVar's aggregate classification.

NM_017777.4(MKS1):c.644+8G>T

Gene: MKS1 (MKS transition zone complex subunit 1; minus strand). Cytogenetic location: 17q22.
Variant type: single nucleotide variant.
Coding change: c.644+8G>T on transcript NM_017777.4 (MANE Select); 8 bases into the intron after coding-DNA position 644, G replaced by T.
Molecular consequence: intron variant.
Genome position (GRCh38, 1-based): chr17:58,214,251, C>A on the plus strand (G>T on the coding strand, the complement: MKS1 is on the minus strand). VCF-style: chr17-58214251-C-A. GRCh37 (hg19) VCF-style: chr17-56291612-C-A.
Other names: c.35+8G>T (NM_001321268.2); c.644+8G>T (NM_001330397.2, NM_001321269.2).
Identifiers: ClinVar variation 324165 (VCV000324165.46), dbSNP rs370117125, ClinGen allele CA8669457.